The following is an entry in ClinVar:

ClinVar aggregate classification (germline): Uncertain significance. Review status: criteria provided, multiple submitters, no conflicts (2 of 4 stars). 2 submissions from 2 submitters: Uncertain significance (2). Last evaluated 2025-10-24.

Allele frequency attached by ClinVar (database versions not stated): TOPMed 0.00001.
gnomAD v4.1: 2 of 1,613,084 alleles (0.00012%); no homozygotes.

Submissions (2):

Ambry Genetics
Classification: Uncertain significance. Last evaluated: 2025-10-24. Review status: criteria provided, single submitter. Criteria: Ambry Variant Classification Scheme 2023. Collection method: clinical testing. Allele origin: germline.

Labcorp Genetics (formerly Invitae), Labcorp
Classification: Uncertain significance. Last evaluated: 2023-11-13. Review status: criteria provided, single submitter. Criteria: Invitae Variant Classification Sherloc (09022015). Collection method: clinical testing. Allele origin: germline.
Comment: This sequence change replaces alanine, which is neutral and non-polar, with threonine, which is neutral and polar, at codon 407 of the ADGRA3 protein (p.Ala407Thr). This variant is not present in population databases (gnomAD no frequency). This variant has not been reported in the literature in individuals affected with ADGRA3-related conditions. ClinVar contains an entry for this variant (Variation ID: 1938864). An algorithm developed to predict the effect of missense changes on protein structure and function (PolyPhen-2) suggests that this variant is likely to be tolerated. In summary, the available evidence is currently insufficient to determine the role of this variant in disease. Therefore, it has been classified as a Variant of Uncertain Significance.

NM_145290.4(ADGRA3):c.1219G>A (p.Ala407Thr)

Gene: ADGRA3 (adhesion G protein-coupled receptor A3; minus strand). Cytogenetic location: 4p15.2.
Variant type: single nucleotide variant.
Coding change: c.1219G>A on transcript NM_145290.4 (MANE Select); coding-DNA position 1219, G replaced by A.
Protein change: p.Ala407Thr; replaces alanine 407 with threonine.
Molecular consequence: missense variant.
Genome position (GRCh38, 1-based): chr4:22,436,508, C>T on the plus strand (G>A on the coding strand, the complement: ADGRA3 is on the minus strand). VCF-style: chr4-22436508-C-T. GRCh37 (hg19) VCF-style: chr4-22438131-C-T.
Other names: c.1219G>A (NM_145290.2); short protein forms A407T.
Identifiers: ClinVar variation 1938864 (VCV001938864.6), dbSNP rs1231054427, ClinGen allele CA356482174.
Genomic context (GRCh38, chr4:22,436,508, plus strand): 5'-ACATATAAAGAACTCTAGTGACATCATTTGCATACTGACAGCGAGAATAATCATCATCTG[C>T]CCAAAAGCCACCTCTATCACATCTGCGCCAAGCTTTTCTCTCATCCTGTGGGTTTCCGGG-3'
Protein context (NP_660333.2, residues 397-417): WRRCDRGGFW[Ala407Thr]DDDYSRCQYA